The following is an entry in ClinVar:

ClinVar aggregate classification (germline): Conflicting classifications of pathogenicity. Review status: criteria provided, conflicting classifications (1 of 4 stars). 2 submissions from 2 submitters: Uncertain significance (1); Likely benign (1). Last evaluated 2026-01-26.

Allele frequency attached by ClinVar (database versions not stated): gnomAD 0.00001; ExAC 0.00001; ESP Exome Variant Server 0.00008; gnomAD exomes below 0.00001; TOPMed 0.00002.
gnomAD v4.1: 8 of 1,613,956 alleles (0.0005%); highest among the groups gnomAD compares: African/African-American, 0.0053%; no homozygotes.

Submissions (2):

Labcorp Genetics (formerly Invitae), Labcorp
Classification: Likely benign. Last evaluated: 2026-01-26. Review status: criteria provided, single submitter. Criteria: Invitae Variant Classification Sherloc (09022015). Collection method: clinical testing. Allele origin: germline.

GeneDx
Classification: Uncertain significance. Last evaluated: 2022-03-10. Review status: criteria provided, single submitter. Criteria: GeneDx Variant Classification Process June 2021. Collection method: clinical testing. Allele origin: germline. Affected: yes.
Comment: Not observed at significant frequency in large population cohorts (gnomAD); In silico analysis supports that this variant does not alter splicing; Has not been previously published as pathogenic or benign to our knowledge

NM_130837.3(OPA1):c.722A>G (p.Glu241Gly)

Genes: OPA1 (OPA1 mitochondrial dynamin like GTPase; plus strand), OPA1-AS1 (OPA1 antisense RNA 1; minus strand). Cytogenetic location: 3q29.
Variant type: single nucleotide variant.
Coding change: c.722A>G on transcript NM_130837.3 (MANE Select); coding-DNA position 722, A replaced by G.
Protein change: p.Glu241Gly; replaces glutamic acid 241 with glycine.
Molecular consequence: missense variant. On other transcripts: intron variant (5).
Genome position (GRCh38, 1-based): chr3:193,626,135, A>G. VCF-style: chr3-193626135-A-G. GRCh37 (hg19) VCF-style: chr3-193343924-A-G.
Other names: c.188A>G, p.Glu63Gly (NM_001354663.2); c.560A>G, p.Glu187Gly (NM_130833.3); c.614A>G, p.Glu205Gly (NM_130835.3); c.668A>G, p.Glu223Gly (NM_130836.3); c.253-5477A>G (NM_001354664.2); c.679-5477A>G (NM_130834.3); c.625-5477A>G (NM_015560.3); c.571-5477A>G (NM_130832.3); and 1 more; short protein forms E187G, E205G, E223G, E241G, E63G.
Identifiers: ClinVar variation 1704746 (VCV001704746.4), dbSNP rs369466234, ClinGen allele CA2759123.